The following is an entry in ClinVar:

ClinVar aggregate classification (germline): Pathogenic (1 of 4 stars; one submission).

Conditions:
Rubinstein-Taybi syndrome (RSTS). Identifiers: Orphanet 783, MedGen C0035934, MONDO:0019188.

Submission:

Labcorp Genetics (formerly Invitae), Labcorp
Classification: Pathogenic for Rubinstein-Taybi syndrome. Last evaluated: 2018-10-04. Review status: criteria provided, single submitter. Criteria: Invitae Variant Classification Sherloc (09022015). Collection method: clinical testing. Allele origin: germline.
Comment: Loss-of-function variants in CREBBP are known to be pathogenic (PMID: 17052327, 18792986). This variant has not been reported in the literature in individuals with CREBBP-related disease. This variant is not present in population databases (ExAC no frequency). This sequence change creates a premature translational stop signal (p.Gln919*) in the CREBBP gene. It is expected to result in an absent or disrupted protein product. For these reasons, this variant has been classified as Pathogenic.

Literature cited by the submitters: PubMed 17052327; PubMed 18792986.

NM_004380.3(CREBBP):c.2755C>T (p.Gln919Ter)

Gene: CREBBP (CREB binding lysine acetyltransferase; minus strand). Cytogenetic location: 16p13.3.
Variant type: single nucleotide variant.
Coding change: c.2755C>T on transcript NM_004380.3 (MANE Select); coding-DNA position 2755, C replaced by T.
Protein change: p.Gln919Ter; replaces glutamine 919 with a stop codon.
Molecular consequence: nonsense.
Genome position (GRCh38, 1-based): chr16:3,770,695, G>A on the plus strand (C>T on the coding strand, the complement: CREBBP is on the minus strand). VCF-style: chr16-3770695-G-A. GRCh37 (hg19) VCF-style: chr16-3820696-G-A.
Other names: c.2641C>T, p.Gln881Ter (NM_001079846.1); short protein forms Q881*, Q919*.
Identifiers: ClinVar variation 649692 (VCV000649692.7), dbSNP rs1596886183, ClinGen allele CA394550904.